The following is an entry in ClinVar:

NM_002700.3(POU4F3):c.90C>T (p.Ala30=)

Genes: POU4F3 (POU class 4 homeobox 3; plus strand), RBM27-POU4F3 (RBM27-POU4F3 readthrough; plus strand). Cytogenetic location: 5q32.
Variant type: single nucleotide variant.
Coding change: c.90C>T on transcript NM_002700.3 (MANE Select); coding-DNA position 90, C replaced by T.
Protein change: p.Ala30=; no amino-acid change (alanine 30 retained).
Molecular consequence: synonymous variant.
Genome position (GRCh38, 1-based): chr5:146,339,202, C>T. VCF-style: chr5-146339202-C-T. GRCh37 (hg19) VCF-style: chr5-145718765-C-T.
Other names: p.Ala30=.
Identifiers: ClinVar variation 44583 (VCV000044583.19), dbSNP rs28994879, ClinGen allele CA134587.
Genomic context (GRCh38, chr5:146,339,202, plus strand): 5'-CGGCATGCACCCGGTGCTGCAAGAACCCAAATTCTCCAGTCTGCACTCTGGCTCCGAGGC[C>T]ATGCGCCGAGTCTGTCTCCCAGCCCCGCAGGTACGTAGTGGAGCATAATTACCGCTCTAA-3'
Protein context (NP_002691.1, residues 20-40): KFSSLHSGSE[Ala30=]MRRVCLPAPQ

ClinVar aggregate classification (germline): Benign. Review status: criteria provided, multiple submitters, no conflicts (2 of 4 stars). 7 submissions from 7 submitters: Benign (7). Last evaluated 2026-02-01.

Conditions:
Autosomal dominant nonsyndromic hearing loss 15 (DFNA15). Also called: DEAFNESS, AUTOSOMAL DOMINANT 52; Autosomal dominant nonsyndromic hearing loss 52. Identifiers: Orphanet 90635, MedGen C1865366, MONDO:0011226, OMIM 602459.

Allele frequency attached by ClinVar (database versions not stated): 1000 Genomes Project 0.01777; 1000 Genomes Project 30x 0.01905; TOPMed 0.02826; gnomAD 0.02893 and 0.02948; ESP Exome Variant Server 0.02991; ExAC 0.03092; gnomAD exomes 0.03168 and 0.03714.
gnomAD v4.1: 58,762 of 1,614,208 alleles (3.6%); highest among the groups gnomAD compares: Non-Finnish European, 4.1%; 1,312 homozygotes.

Submissions (7):

Labcorp Genetics (formerly Invitae), Labcorp
Classification: Benign. Last evaluated: 2026-02-01. Review status: criteria provided, single submitter. Criteria: Invitae Variant Classification Sherloc (09022015). Collection method: clinical testing. Allele origin: germline.

Mayo Clinic Laboratories, Mayo Clinic
Classification: Benign. Last evaluated: 2020-12-04. Review status: criteria provided, single submitter. Criteria: ACMG Guidelines, 2015. Collection method: clinical testing. Allele origin: germline. Observed: 14 variant alleles.

Athena Diagnostics
Classification: Benign. Last evaluated: 2019-02-18. Review status: criteria provided, single submitter. Criteria: Athena Diagnostics Criteria. Collection method: clinical testing. Allele origin: germline.

Illumina Laboratory Services, Illumina
Classification: Benign for Autosomal dominant nonsyndromic hearing loss 15. Last evaluated: 2018-01-13. Review status: criteria provided, single submitter. Criteria: ICSL Variant Classification Criteria 13 December 2019. Collection method: clinical testing. Allele origin: germline.
Comment: This variant was observed in the ICSL laboratory as part of a predisposition screen in an ostensibly healthy population. It had not been previously curated by ICSL or reported in the Human Gene Mutation Database (HGMD: prior to June 1st, 2018), and was therefore a candidate for classification through an automated scoring system. Utilizing variant allele frequency, disease prevalence and penetrance estimates, and inheritance mode, an automated score was calculated to assess if this variant is too frequent to cause the disease. Based on the score and internal cut-off values, a variant classified as benign is not then subjected to further curation. The score for this variant resulted in a classification of benign for this disease.

GeneDx
Classification: Benign. Last evaluated: 2017-08-03. Review status: criteria provided, single submitter. Criteria: GeneDx Variant Classification (06012015). Collection method: clinical testing. Allele origin: germline. Affected: yes.
Comment: This variant is considered likely benign or benign based on one or more of the following criteria: it is a conservative change, it occurs at a poorly conserved position in the protein, it is predicted to be benign by multiple in silico algorithms, and/or has population frequency not consistent with disease.

Laboratory for Molecular Medicine, Mass General Brigham Personalized Medicine
Classification: Benign. Last evaluated: 2012-05-07. Review status: criteria provided, single submitter. Criteria: LMM Criteria. Collection method: clinical testing. Allele origin: germline. Observed: 108 variant alleles.
Comment: "Ala30Ala in Exon 01 of POU4F3: This variant is not expected to have clinical si gnificance because it does not alter an amino acid residue, is not located withi n the splice consensus sequence, and has been identified in 4.1% (291/7020) of E uropean American chromosomes from a broad population by the NHLBI Exome Sequenci ng Project (dbSNP rs28994879)."

PreventionGenetics, part of Exact Sciences
Classification: Benign. Review status: criteria provided, single submitter. Criteria: ACMG Guidelines, 2015. Collection method: clinical testing. Allele origin: germline.